The following is an entry in ClinVar:

NM_006493.4(CLN5):c.59C>T (p.Ala20Val)

Genes: CLN5 (CLN5 lysosomal BMP synthase; plus strand), LOC130009913 (ATAC-STARR-seq lymphoblastoid silent region 5414; plus strand). Cytogenetic location: 13q22.3.
Variant type: single nucleotide variant.
Coding change: c.59C>T on transcript NM_006493.4 (MANE Select); coding-DNA position 59, C replaced by T.
Protein change: p.Ala20Val; replaces alanine 20 with valine.
Molecular consequence: missense variant.
Genome position (GRCh38, 1-based): chr13:76,992,157, C>T. VCF-style: chr13-76992157-C-T. GRCh37 (hg19) VCF-style: chr13-77566292-C-T.
Other names: c.59C>T, p.Ala20Val (NM_001366624.2); short protein forms A20V, A69V.
Identifiers: ClinVar variation 2027260 (VCV002027260.1), dbSNP rs1032818633, ClinGen allele CA252175659.
Genomic context (GRCh38, chr13:76,992,157, plus strand): 5'-TGATGGCGCAGGAGGTAGACACGGCACAGGGCGCCGAGATGCGGCGGGGCGCGGGCGCGG[C>T]TCGGGGACGCGCTTCCTGGTGCTGGGCCCTGGCGCTGCTTTGGCTCGCGGTGGTTCCGGG-3'
Protein context (NP_006484.2, residues 10-30): GAEMRRGAGA[Ala20Val]RGRASWCWAL

ClinVar aggregate classification (germline): Uncertain significance (1 of 4 stars; one submission).

Conditions:
Neuronal ceroid lipofuscinosis. Also called: Neuronal Ceroid Lipofuscinoses. Identifiers: Orphanet 216, Orphanet 79263, MedGen C0027877, MONDO:0016295. Disease mechanism: loss of function.

Allele frequency attached by ClinVar (database versions not stated): gnomAD exomes below 0.00001.

Submission:

Labcorp Genetics (formerly Invitae), Labcorp
Classification: Uncertain significance for Neuronal ceroid lipofuscinosis. Last evaluated: 2022-03-10. Review status: criteria provided, single submitter. Criteria: Invitae Variant Classification Sherloc (09022015). Collection method: clinical testing. Allele origin: germline.
Comment: This sequence change replaces alanine, which is neutral and non-polar, with valine, which is neutral and non-polar, at codon 69 of the CLN5 protein (p.Ala69Val). This variant is not present in population databases (gnomAD no frequency). This variant has not been reported in the literature in individuals affected with CLN5-related conditions. Algorithms developed to predict the effect of missense changes on protein structure and function are either unavailable or do not agree on the potential impact of this missense change (SIFT: "Deleterious"; PolyPhen-2: "Possibly Damaging"; Align-GVGD: "Class C0"). Algorithms developed to predict the effect of sequence changes on RNA splicing suggest that this variant may create or strengthen a splice site. In summary, the available evidence is currently insufficient to determine the role of this variant in disease. Therefore, it has been classified as a Variant of Uncertain Significance.